The following is an entry in ClinVar:

NM_000326.5(RLBP1):c.290T>A (p.Leu97Gln)

Gene: RLBP1 (retinaldehyde binding protein 1; minus strand). Cytogenetic location: 15q26.1.
Variant type: single nucleotide variant.
Coding change: c.290T>A on transcript NM_000326.5 (MANE Select); coding-DNA position 290, T replaced by A.
Protein change: p.Leu97Gln; replaces leucine 97 with glutamine.
Molecular consequence: missense variant.
Genome position (GRCh38, 1-based): chr15:89,217,176, A>T on the plus strand (T>A on the coding strand, the complement: RLBP1 is on the minus strand). VCF-style: chr15-89217176-A-T. GRCh37 (hg19) VCF-style: chr15-89760407-A-T.
Other names: c.290T>A (NM_000326.4); short protein forms L97Q.
Identifiers: ClinVar variation 1914749 (VCV001914749.6), dbSNP rs761221207, ClinGen allele CA7722332.

ClinVar aggregate classification (germline): Uncertain significance. Review status: criteria provided, multiple submitters, no conflicts (2 of 4 stars). 3 submissions from 3 submitters: Uncertain significance (3). Last evaluated 2025-01-01.

Conditions:
Inborn genetic diseases. Identifiers: MedGen C0950123, MeSH D030342.

Allele frequency attached by ClinVar (database versions not stated): TOPMed below 0.00001; ExAC 0.00003.
gnomAD v4.1: 59 of 1,614,062 alleles (0.0037%); highest among the groups gnomAD compares: Non-Finnish European, 0.0048%; no homozygotes.

Submissions (3):

Ambry Genetics
Classification: Uncertain significance for Inborn genetic diseases. Last evaluated: 2025-01-01. Review status: criteria provided, single submitter. Criteria: Ambry Variant Classification Scheme 2023. Collection method: clinical testing. Allele origin: germline.

Labcorp Genetics (formerly Invitae), Labcorp
Classification: Uncertain significance. Last evaluated: 2023-06-30. Review status: criteria provided, single submitter. Criteria: Invitae Variant Classification Sherloc (09022015). Collection method: clinical testing. Allele origin: germline.
Comment: In summary, the available evidence is currently insufficient to determine the role of this variant in disease. Therefore, it has been classified as a Variant of Uncertain Significance. Advanced modeling of protein sequence and biophysical properties (such as structural, functional, and spatial information, amino acid conservation, physicochemical variation, residue mobility, and thermodynamic stability) performed at Invitae indicates that this missense variant is not expected to disrupt RLBP1 protein function. ClinVar contains an entry for this variant (Variation ID: 1914749). This variant has not been reported in the literature in individuals affected with RLBP1-related conditions. This variant is present in population databases (rs761221207, gnomAD 0.008%). This sequence change replaces leucine, which is neutral and non-polar, with glutamine, which is neutral and polar, at codon 97 of the RLBP1 protein (p.Leu97Gln).

Blueprint Genetics
Classification: Uncertain significance. Last evaluated: 2021-06-17. Review status: criteria provided, single submitter. Criteria: ACMG Guidelines, 2015. Collection method: clinical testing. Allele origin: germline.